The following is an entry in ClinVar:

NM_021098.3(CACNA1H):c.1107T>C (p.Ile369=)

Gene: CACNA1H (calcium voltage-gated channel subunit alpha1 H; plus strand). Cytogenetic location: 16p13.3.
Variant type: single nucleotide variant.
Coding change: c.1107T>C on transcript NM_021098.3 (MANE Select); coding-DNA position 1107, T replaced by C.
Protein change: p.Ile369=; no amino-acid change (isoleucine 369 retained).
Molecular consequence: synonymous variant.
Genome position (GRCh38, 1-based): chr16:1,200,559, T>C. VCF-style: chr16-1200559-T-C. GRCh37 (hg19) VCF-style: chr16-1250559-T-C.
Other names: p.Ile369=; c.1107T>C, p.Ile369= (NM_001005407.2).
Identifiers: ClinVar variation 166755 (VCV000166755.18), dbSNP rs8044363, ClinGen allele CA179811.

ClinVar aggregate classification (germline): Benign/Likely benign. Review status: criteria provided, multiple submitters, no conflicts (2 of 4 stars). 7 submissions from 7 submitters: Benign (6); Likely benign (1). Last evaluated 2026-02-04.

Conditions:
Hyperaldosteronism, familial, type IV (HALD4). Also called: FH IV; ALDOSTERONISM, PRIMARY, AND HYPERTENSION. Identifiers: Orphanet 642671, MedGen C4310756, MONDO:0014875, OMIM 617027.
Idiopathic generalized epilepsy. Also called: EIG; Generalised epilepsy. Identifiers: MedGen C0270850, MONDO:0005579, OMIM 600669.

Allele frequency attached by ClinVar (database versions not stated): 1000 Genomes Project 0.33267; 1000 Genomes Project 30x 0.33948; gnomAD exomes 0.36995; ExAC 0.37741; TOPMed 0.41135; ESP Exome Variant Server 0.43814; gnomAD 0.44103.
gnomAD v4.1: 683,277 of 1,611,322 alleles (42%); highest among the groups gnomAD compares: African/African-American, 49%; 150,941 homozygotes.

Submissions (7):

Labcorp Genetics (formerly Invitae), Labcorp
Classification: Benign for Idiopathic generalized epilepsy; Hyperaldosteronism, familial, type IV. Last evaluated: 2026-02-04. Review status: criteria provided, single submitter. Criteria: Invitae Variant Classification Sherloc (09022015). Collection method: clinical testing. Allele origin: germline.

Blueprint Genetics
Classification: Likely benign. Last evaluated: 2024-11-27. Review status: criteria provided, single submitter. Criteria: ACMG Guidelines, 2015. Collection method: clinical testing. Allele origin: germline.

Mayo Clinic Laboratories, Mayo Clinic
Classification: Benign. Last evaluated: 2023-02-14. Review status: criteria provided, single submitter. Criteria: ACMG Guidelines, 2015. Collection method: clinical testing. Allele origin: germline. Observed: 45 variant alleles.
Comment: BA1, BP4, BP7

GeneDx
Classification: Benign. Last evaluated: 2020-02-03. Review status: criteria provided, single submitter. Criteria: GeneDx Variant Classification (06012015). Collection method: clinical testing. Allele origin: germline. Affected: yes.
Comment: This variant is associated with the following publications: (PMID: 12891677, 17156077)

Athena Diagnostics
Classification: Benign. Last evaluated: 2017-04-20. Review status: criteria provided, single submitter. Criteria: Athena Diagnostics Criteria. Collection method: clinical testing. Allele origin: germline.

Eurofins Ntd Llc (ga)
Classification: Benign. Last evaluated: 2014-04-07. Review status: criteria provided, single submitter. Criteria: EGL Classification Definitions 2015. Collection method: clinical testing. Allele origin: germline. Observed: 1 variant allele, 1 heterozygote.

Breakthrough Genomics
Classification: Benign. Review status: criteria provided, single submitter. Criteria: ACMG Guidelines, 2015. Collection method: not provided. Allele origin: germline. Inheritance: Autosomal dominant inheritance. Affected: yes.